The following is an entry in ClinVar:

NM_133510.4(RAD51B):c.370T>A (p.Leu124Met)

Gene: RAD51B (RAD51 paralog B; plus strand). Cytogenetic location: 14q24.1.
Variant type: single nucleotide variant.
Coding change: c.370T>A on transcript NM_133510.4 (MANE Select); coding-DNA position 370, T replaced by A.
Protein change: p.Leu124Met; replaces leucine 124 with methionine.
Molecular consequence: missense variant.
Genome position (GRCh38, 1-based): chr14:67,865,057, T>A. VCF-style: chr14-67865057-T-A. GRCh37 (hg19) VCF-style: chr14-68331774-T-A.
Other names: c.370T>A, p.Leu124Met (NM_001321809.2, NM_001321810.2, NM_001321812.1 and 6 more transcripts); c.256T>A, p.Leu86Met (NM_001321815.1); c.13T>A, p.Leu5Met (NM_001321817.2); short protein forms L124M, L5M, L86M.
Identifiers: ClinVar variation 4862878 (VCV004862878.1).
Genomic context (GRCh38, chr14:67,865,057, plus strand): 5'-TTTTAGATTACAGGTCCACCAGGTTGTGGAAAAACTCAGTTTTGTATAATGATGAGCATT[T>A]TGGCTACATTACCCACCAACATGGGAGGATTAGAAGGAGCTGTGGTGTACATTGACACAG-3'
Protein context (NP_598194.1, residues 114-134): KTQFCIMMSI[Leu124Met]ATLPTNMGGL

ClinVar aggregate classification (germline): Uncertain significance (1 of 4 stars; one submission).

Submission:

Ambry Genetics
Classification: Uncertain significance. Last evaluated: 2026-03-28. Review status: criteria provided, single submitter. Criteria: Ambry Variant Classification Scheme 2023. Collection method: clinical testing. Allele origin: germline.
Comment: The p.L124M variant (also known as c.370T>A), located in coding exon 4 of the RAD51B gene, results from a T to A substitution at nucleotide position 370. The leucine at codon 124 is replaced by methionine, an amino acid with highly similar properties. This amino acid position is conserved. In addition, this alteration is predicted to be tolerated by in silico analysis. Based on the available evidence, the clinical significance of this variant remains unclear.